The following is an entry in ClinVar:

NM_138694.4(PKHD1):c.2991_2992insA (p.Leu998fs)

Gene: PKHD1 (PKHD1 ciliary IPT domain containing fibrocystin/polyductin; minus strand). Cytogenetic location: 6p12.2.
Variant type: Insertion.
Coding change: c.2991_2992insA on transcript NM_138694.4 (MANE Select); coding-DNA positions 2991 to 2992, A inserted.
Protein change: p.Leu998fs; shifts the reading frame from leucine 998.
Molecular consequence: frameshift variant.
Genome position: GRCh38 VCF-style: chr6-52042964-A-AT. GRCh37 (hg19) VCF-style: chr6-51907762-A-AT.
Other names: c.2991_2992insA, p.Leu998fs (NM_170724.3); short protein forms L998fs.
Identifiers: ClinVar variation 5016059 (VCV005016059.1).

ClinVar aggregate classification (germline): Pathogenic (1 of 4 stars; one submission).

Conditions:
Polycystic kidney disease 4 (PKD4). Also called: PKD3; Autosomal Recessive Polycystic Kidney Disease – PKHD1; POLYCYSTIC KIDNEY AND HEPATIC DISEASE 1; POLYCYSTIC KIDNEY DISEASE, INFANTILE, TYPE I; POLYCYSTIC KIDNEY DISEASE 4 WITH OR WITHOUT POLYCYSTIC LIVER DISEASE. Identifiers: MedGen C4540575, MONDO:0033004, OMIM 263200.

Submission:

Myriad Genetics, Inc.
Classification: Pathogenic for Polycystic kidney disease 4. Last evaluated: 2026-06-20. Review status: criteria provided, single submitter. Criteria: Myriad Autosomal Dominant, Autosomal Recessive and X-Linked Classification Criteria (2023). Collection method: clinical testing. Allele origin: unknown.
Comment: NM_138694.3(PKHD1):c.2991_2992insA(L998Ifs*23) is expected to be pathogenic in the context of autosomal recessive polycystic kidney disease, PKHD1-related. This variant is predicted to lead to an abnormal or absent protein product due to the creation of a premature termination codon in PKHD1, a gene where loss-of-function variants are known to be pathogenic. Please note: this variant was assessed in the context of healthy population screening.